The following is an entry in ClinVar:

ClinVar aggregate classification (germline): Uncertain significance. Review status: criteria provided, multiple submitters, no conflicts (2 of 4 stars). 2 submissions from 2 submitters: Uncertain significance (2). Last evaluated 2025-10-01.

Conditions:
Inborn genetic diseases. Identifiers: MedGen C0950123, MeSH D030342.

Allele frequency attached by ClinVar (database versions not stated): gnomAD exomes 0.00001; TOPMed 0.00002; ExAC 0.00002; gnomAD 0.00002; ESP Exome Variant Server 0.00008.
gnomAD v4.1: 12 of 1,613,996 alleles (0.00074%); highest among the groups gnomAD compares: Middle Eastern, 0.016%; no homozygotes.

Submissions (2):

Labcorp Genetics (formerly Invitae), Labcorp
Classification: Uncertain significance. Last evaluated: 2025-10-01. Review status: criteria provided, single submitter. Criteria: Invitae Variant Classification Sherloc (09022015). Collection method: clinical testing. Allele origin: germline.
Comment: This sequence change replaces alanine, which is neutral and non-polar, with valine, which is neutral and non-polar, at codon 467 of the DEAF1 protein (p.Ala467Val). This variant is present in population databases (rs368628431, gnomAD 0.004%). This variant has not been reported in the literature in individuals affected with DEAF1-related conditions. ClinVar contains an entry for this variant (Variation ID: 2994401). Invitae Evidence Modeling of protein sequence and biophysical properties (such as structural, functional, and spatial information, amino acid conservation, physicochemical variation, residue mobility, and thermodynamic stability) indicates that this missense variant is not expected to disrupt DEAF1 protein function with a negative predictive value of 95%. In summary, the available evidence is currently insufficient to determine the role of this variant in disease. Therefore, it has been classified as a Variant of Uncertain Significance.

Ambry Genetics
Classification: Uncertain significance for Inborn genetic diseases. Last evaluated: 2025-03-03. Review status: criteria provided, single submitter. Criteria: Ambry Variant Classification Scheme 2023. Collection method: clinical testing. Allele origin: germline.

NM_021008.4(DEAF1):c.1400C>T (p.Ala467Val)

Genes: DEAF1 (DEAF1 transcription factor; minus strand), LOC126861109 (BRD4-independent group 4 enhancer GRCh37_chr11:673917-675116; plus strand). Cytogenetic location: 11p15.5.
Variant type: single nucleotide variant.
Coding change: c.1400C>T on transcript NM_021008.4 (MANE Select); coding-DNA position 1400, C replaced by T.
Protein change: p.Ala467Val; replaces alanine 467 with valine.
Molecular consequence: missense variant.
Genome position (GRCh38, 1-based): chr11:674,639, G>A on the plus strand (C>T on the coding strand, the complement: DEAF1 is on the minus strand). VCF-style: chr11-674639-G-A. GRCh37 (hg19) VCF-style: chr11-674639-G-A.
Other names: c.1133C>T, p.Ala378Val (NM_001293634.2); c.674C>T, p.Ala225Val (NM_001367390.1); short protein forms A225V, A378V, A467V.
Identifiers: ClinVar variation 2994401 (VCV002994401.4), dbSNP rs368628431, ClinGen allele CA5786222.